The following is an entry in ClinVar:

ClinVar aggregate classification (germline): Benign/Likely benign. Review status: criteria provided, multiple submitters, no conflicts (2 of 4 stars). 11 submissions from 11 submitters: Benign (5); Likely benign (3). 3 of the submissions do not count toward it. Last evaluated 2026-01-31.

Conditions:
Dilated cardiomyopathy 1JJ (CMD1JJ). Identifiers: Orphanet 154, MedGen C3808935, MONDO:0014095, OMIM 615235.

Allele frequency attached by ClinVar (database versions not stated): gnomAD exomes 0.00101 and 0.00042; 1000 Genomes Project 0.00419; gnomAD 0.00429 and 0.00461; ExAC 0.00108; ESP Exome Variant Server 0.00384; 1000 Genomes Project 30x 0.00390; TOPMed 0.00401.
gnomAD v4.1: 1,303 of 1,614,074 alleles (0.081%); highest among the groups gnomAD compares: African/African-American, 1.5%; 9 homozygotes.

Submissions (11):

Labcorp Genetics (formerly Invitae), Labcorp
Classification: Benign for Dilated cardiomyopathy 1JJ. Last evaluated: 2026-01-31. Review status: criteria provided, single submitter. Criteria: Invitae Variant Classification Sherloc (09022015). Collection method: clinical testing. Allele origin: germline.

Blueprint Genetics
Classification: Likely benign. Last evaluated: 2024-07-15. Review status: criteria provided, single submitter. Criteria: ACMG Guidelines, 2015. Collection method: clinical testing. Allele origin: germline.

Women's Health and Genetics/Laboratory Corporation of America, LabCorp
Classification: Benign. Last evaluated: 2023-04-10. Review status: criteria provided, single submitter. Criteria: LabCorp Variant Classification Summary - May 2015. Collection method: clinical testing. Allele origin: germline.

CeGaT Center for Human Genetics Tuebingen
Classification: Likely benign. Last evaluated: 2021-03-01. Review status: criteria provided, single submitter. Criteria: CeGaT Center For Human Genetics Tuebingen Variant Classification Criteria Version 2. Collection method: clinical testing. Allele origin: germline. Affected: yes. Observed: 1 variant allele.

ARUP Laboratories, Molecular Genetics and Genomics, ARUP Laboratories
Classification: Benign for Dilated cardiomyopathy 1JJ. Last evaluated: 2020-01-05. Review status: criteria provided, single submitter. Criteria: ARUP Molecular Germline Variant Investigation Process. Collection method: clinical testing. Allele origin: germline.

GeneDx
Classification: Benign. Last evaluated: 2014-09-04. Review status: criteria provided, single submitter. Criteria: GeneDx Variant Classification (06012015). Collection method: clinical testing. Allele origin: germline. Affected: yes.
Comment: This variant is considered likely benign or benign based on one or more of the following criteria: it is a conservative change, it occurs at a poorly conserved position in the protein, it is predicted to be benign by multiple in silico algorithms, and/or has population frequency not consistent with disease.

Laboratory for Molecular Medicine, Mass General Brigham Personalized Medicine
Classification: Benign. Last evaluated: 2012-07-06. Review status: criteria provided, single submitter. Criteria: LMM Criteria. Collection method: clinical testing. Allele origin: germline. Observed: 9 variant alleles.
Comment: Ser289Ser in Exon 08 of LAMA4: This variant is not expected to have clinical sig nificance because it does not alter an amino acid residue, is not located within the splice consensus sequence and has been identified in 1.3% (48/3738) of Afri can American chromosomes from a broad population by the NHLBI Exome Sequencing P roject (dbSNP rs17073495).

Breakthrough Genomics
Classification: Likely benign. Review status: criteria provided, single submitter. Criteria: ACMG Guidelines, 2015. Collection method: not provided. Allele origin: germline. Inheritance: Autosomal dominant inheritance. Affected: yes.

Clinical Genetics DNA and cytogenetics Diagnostics Lab, Erasmus MC, Erasmus Medical Center
Classification: Benign. Review status: no assertion criteria provided. Collection method: clinical testing. Allele origin: germline. Affected: yes. Study: VKGL Data-share Consensus. Not counted in ClinVar's aggregate classification.

Clinical Genetics, Academic Medical Center
Classification: Benign. Review status: no assertion criteria provided. Collection method: clinical testing. Allele origin: germline. Affected: yes. Study: VKGL Data-share Consensus. Not counted in ClinVar's aggregate classification.

Diagnostic Laboratory, Department of Genetics, University Medical Center Groningen
Classification: Likely benign for Dilated cardiomyopathy 1JJ. Review status: no assertion criteria provided. Collection method: clinical testing. Allele origin: germline. Affected: yes. Study: VKGL Data-share Consensus. Not counted in ClinVar's aggregate classification.

NM_001105206.3(LAMA4):c.888C>T (p.Ser296=)

Gene: LAMA4 (laminin subunit alpha 4; minus strand). Cytogenetic location: 6q21.
Variant type: single nucleotide variant.
Coding change: c.888C>T on transcript NM_001105206.3 (MANE Select); coding-DNA position 888, C replaced by T.
Protein change: p.Ser296=; no amino-acid change (serine 296 retained).
Molecular consequence: synonymous variant.
Genome position (GRCh38, 1-based): chr6:112,187,528, G>A on the plus strand (C>T on the coding strand, the complement: LAMA4 is on the minus strand). VCF-style: chr6-112187528-G-A. GRCh37 (hg19) VCF-style: chr6-112508730-G-A.
Other names: p.S289S:TCC>TCT; c.867C>T, p.Ser289= (NM_001105207.3, NM_002290.5).
Identifiers: ClinVar variation 44411 (VCV000044411.59), dbSNP rs17073495, ClinGen allele CA282409.
Genomic context (GRCh38, chr6:112,187,528, plus strand): 5'-GGCGTTGATTTCATTCACGTGCCTATGAGCGGCGGCCCCAGAGGATACGCTCAGCACCCC[G>A]GATTTGCCTTCCTCGATGGAGAGCGCTGCTAACCGCAGGTCATCAGTCAGGTCCCAGACG-3'
Protein context (NP_001098676.2, residues 286-306): LAALSIEEGK[Ser296=]GVLSVSSGAA